The following is an entry in ClinVar:

NM_012154.5(AGO2):c.2094C>T (p.Tyr698=)

Gene: AGO2 (argonaute RISC catalytic component 2; minus strand). Cytogenetic location: 8q24.3.
Variant type: single nucleotide variant.
Coding change: c.2094C>T on transcript NM_012154.5 (MANE Select); coding-DNA position 2094, C replaced by T.
Protein change: p.Tyr698=; no amino-acid change (tyrosine 698 retained).
Molecular consequence: synonymous variant.
Genome position (GRCh38, 1-based): chr8:140,539,395, G>A on the plus strand (C>T on the coding strand, the complement: AGO2 is on the minus strand). VCF-style: chr8-140539395-G-A. GRCh37 (hg19) VCF-style: chr8-141549494-G-A.
Other names: c.2094C>T, p.Tyr698= (NM_001164623.3).
Identifiers: ClinVar variation 5039112 (VCV005039112.1).
Genomic context (GRCh38, chr8:140,539,395, plus strand): 5'-AGTGCAGAAGAGCCGGGTGTGGTGCCTCTTCTGCACCACGATGAAGGTGATCCCGGGCTG[G>A]TAGTCTTTTTCTAGCTTGATACAGGCCTCACGGATGGCCAGCAACTCGTGGTGGAGAACC-3'
Protein context (NP_036286.2, residues 688-708): REACIKLEKD[Tyr698=]QPGITFIVVQ

ClinVar aggregate classification (germline): Likely benign (1 of 4 stars; one submission).

gnomAD v4.1: 63 of 1,614,016 alleles (0.0039%); highest among the groups gnomAD compares: Non-Finnish European, 0.0052%; no homozygotes.

Submission:

CeGaT Center for Human Genetics Tuebingen
Classification: Likely benign. Last evaluated: 2026-07-01. Review status: criteria provided, single submitter. Criteria: CeGaT Center For Human Genetics Tuebingen Variant Classification Criteria Version 2. Collection method: clinical testing. Allele origin: germline. Affected: yes. Observed: 1 variant allele.
Comment: AGO2: BP4